The following is an entry in ClinVar:

NR_199791.1(RNU2-2):n.144_156del

Genes: RNU2-2 (RNA, U2 small nuclear 2; minus strand), WDR74 (WD repeat domain 74; minus strand). Cytogenetic location: 11q12.3.
Variant type: Deletion.
Molecular consequence: non-coding transcript variant (on NR_199791.1). On other transcripts: 5 prime UTR variant (1).
Genome position: GRCh38 VCF-style: chr11-62841653-CAGGTCGATGCGTG-C. GRCh37 (hg19) VCF-style: chr11-62609125-CAGGTCGATGCGTG-C.
Other names: c.-395_-383del (NM_001369451.1).
Identifiers: ClinVar variation 4540526 (VCV004540526.1).

ClinVar aggregate classification (germline): Uncertain significance (1 of 4 stars; one submission).

Submission:

Institute for Human Genetics, University Hospital Essen
Classification: Uncertain significance. Last evaluated: 2025-11-27. Review status: criteria provided, single submitter. Criteria: Submitter's publication. Collection method: clinical testing. Allele origin: inherited. Inheritance: Autosomal unknown. Affected: yes. Observed: 1 variant allele, 1 compound heterozygote.
Comment: PM1_supp, PM2_supp, PM3 (criteria rationale detailed in Leitão et al. Nature Genetics 2026)